The following is an entry in ClinVar:

ClinVar aggregate classification (germline): Uncertain significance. Review status: criteria provided, multiple submitters, no conflicts (2 of 4 stars). 2 submissions from 2 submitters: Uncertain significance (2). Last evaluated 2026-04-14.

Conditions:
Seizures, benign familial infantile, 3 (BFIS3). Also called: CONVULSIONS, BENIGN FAMILIAL INFANTILE, 3; Familial neonatal seizures. Identifiers: Orphanet 140927, Orphanet 306, MedGen C1843140, MONDO:0011904, OMIM 607745.
Developmental and epileptic encephalopathy, 11 (DEE11). Also called: Early infantile epileptic encephalopathy 11. Identifiers: Orphanet 1934, MedGen C3150987, MONDO:0013388, OMIM 613721.

Submissions (2):

GeneDx
Classification: Uncertain significance. Last evaluated: 2026-04-14. Review status: criteria provided, single submitter. Criteria: GeneDx Variant Classification Process June 2021. Collection method: clinical testing. Allele origin: germline.
Comment: Not observed at significant frequency in large population cohorts (gnomAD); In silico analysis supports that this missense variant has a deleterious effect on protein structure/function; Has not been previously published as pathogenic or benign to our knowledge; This substitution is predicted to be in the cytoplasmic loop between the third and fourth homologous domains

Labcorp Genetics (formerly Invitae), Labcorp
Classification: Uncertain significance for Seizures, benign familial infantile, 3; Developmental and epileptic encephalopathy, 11. Last evaluated: 2023-12-25. Review status: criteria provided, single submitter. Criteria: Invitae Variant Classification Sherloc (09022015). Collection method: clinical testing. Allele origin: germline.
Comment: This sequence change replaces phenylalanine, which is neutral and non-polar, with leucine, which is neutral and non-polar, at codon 1476 of the SCN2A protein (p.Phe1476Leu). This variant is not present in population databases (gnomAD no frequency). This variant has not been reported in the literature in individuals affected with SCN2A-related conditions. Advanced modeling of protein sequence and biophysical properties (such as structural, functional, and spatial information, amino acid conservation, physicochemical variation, residue mobility, and thermodynamic stability) performed at Invitae indicates that this missense variant is expected to disrupt SCN2A protein function with a positive predictive value of 95%. In summary, the available evidence is currently insufficient to determine the role of this variant in disease. Therefore, it has been classified as a Variant of Uncertain Significance.

NM_001040142.2(SCN2A):c.4426T>C (p.Phe1476Leu)

Gene: SCN2A (sodium voltage-gated channel alpha subunit 2; plus strand). Cytogenetic location: 2q24.3.
Variant type: single nucleotide variant.
Coding change: c.4426T>C on transcript NM_001040142.2 (MANE Select); coding-DNA position 4426, T replaced by C.
Protein change: p.Phe1476Leu; replaces phenylalanine 1476 with leucine.
Molecular consequence: missense variant.
Genome position (GRCh38, 1-based): chr2:165,380,709, T>C. VCF-style: chr2-165380709-T-C. GRCh37 (hg19) VCF-style: chr2-166237219-T-C.
Other names: c.4426T>C, p.Phe1476Leu (NM_001040143.2, NM_001371246.1, NM_001371247.1 and 1 more transcripts); c.4426T>C (NM_021007.2); short protein forms F1476L.
Identifiers: ClinVar variation 2923538 (VCV002923538.4), dbSNP rs2468126672, ClinGen allele CA349034275.